The following is an entry in ClinVar:

ClinVar aggregate classification (germline): Uncertain significance. Review status: criteria provided, multiple submitters, no conflicts (2 of 4 stars). 3 submissions from 3 submitters: Uncertain significance (2). 1 of the submissions does not count toward it. Last evaluated 2024-03-02.

Conditions:
Hypertrophic cardiomyopathy. Also called: HYPERTROPHIC MYOCARDIOPATHY. Identifiers: Orphanet 217569, MedGen C0007194, MeSH D002312, MONDO:0005045, HP:0001639.
MYH7-related disorder. Also called: MYH7-related condition; MYH7-related disease; MYH7-related disorders.

Allele frequency attached by ClinVar (database versions not stated): gnomAD exomes below 0.00001.
gnomAD v4.1: 1 of 1,579,826 alleles (0.000063%); highest among the groups gnomAD compares: Admixed American, 0.0018%; no homozygotes.

Submissions (3):

GeneDx
Classification: Uncertain significance. Last evaluated: 2024-03-02. Review status: criteria provided, single submitter. Criteria: GeneDx Variant Classification Process June 2021. Collection method: clinical testing. Allele origin: germline. Affected: yes.
Comment: Not observed at significant frequency in large population cohorts (gnomAD); In silico analysis supports that this missense variant has a deleterious effect on protein structure/function; Has not been previously published as pathogenic or benign to our knowledge

Labcorp Genetics (formerly Invitae), Labcorp
Classification: Uncertain significance for Hypertrophic cardiomyopathy. Last evaluated: 2021-10-04. Review status: criteria provided, single submitter. Criteria: Invitae Variant Classification Sherloc (09022015). Collection method: clinical testing. Allele origin: germline.
Comment: In summary, the available evidence is currently insufficient to determine the role of this variant in disease. Therefore, it has been classified as a Variant of Uncertain Significance. Algorithms developed to predict the effect of missense changes on protein structure and function are either unavailable or do not agree on the potential impact of this missense change (SIFT: "Deleterious"; PolyPhen-2: "Probably Damaging"; Align-GVGD: "Class C0"). This variant has not been reported in the literature in individuals affected with MYH7-related conditions. This variant is not present in population databases (ExAC no frequency). This sequence change replaces aspartic acid with asparagine at codon 1177 of the MYH7 protein (p.Asp1177Asn). The aspartic acid residue is highly conserved and there is a small physicochemical difference between aspartic acid and asparagine.

PreventionGenetics, part of Exact Sciences
Classification: Uncertain significance for MYH7-related condition. Last evaluated: 2024-02-20. Review status: no assertion criteria provided. Collection method: clinical testing. Allele origin: germline. Not counted in ClinVar's aggregate classification.
Comment: The MYH7 c.3529G>A variant is predicted to result in the amino acid substitution p.Asp1177Asn. To our knowledge, this variant has not been reported in the literature. This variant is reported in 0.0032% of alleles in individuals of Latino descent in gnomAD. At this time, the clinical significance of this variant is uncertain due to the absence of conclusive functional and genetic evidence.

NM_000257.4(MYH7):c.3529G>A (p.Asp1177Asn)

Gene: MYH7 (myosin heavy chain 7; minus strand). Cytogenetic location: 14q11.2.
Variant type: single nucleotide variant.
Coding change: c.3529G>A on transcript NM_000257.4 (MANE Select); coding-DNA position 3529, G replaced by A.
Protein change: p.Asp1177Asn; replaces aspartic acid 1177 with asparagine.
Molecular consequence: missense variant.
Genome position (GRCh38, 1-based): chr14:23,420,042, C>T on the plus strand (G>A on the coding strand, the complement: MYH7 is on the minus strand). VCF-style: chr14-23420042-C-T. GRCh37 (hg19) VCF-style: chr14-23889251-C-T.
Other names: c.3529G>A (NM_000257.3, NM_000257.2); short protein forms D1177N.
Identifiers: ClinVar variation 1524327 (VCV001524327.9), dbSNP rs1243958077, ClinGen allele CA389043584.
Genomic context (GRCh38, chr14:23,420,042, plus strand): 5'-CGTGCTTCTTGCGCAGGGCCGCGGCAGTGGCCTCGTGCTGCAGCGTGGCCTCCTCCAGGT[C>T]CCGCCGCATCTTCTGGAACTCGGCCTCGCGCTTCTTGTTCATCTCGATCTGCACGGACGT-3'
Protein context (NP_000248.2, residues 1167-1187): REAEFQKMRR[Asp1177Asn]LEEATLQHEA